The following is an entry in ClinVar:

NM_001735.3(C5):c.4221-13T>C

Gene: C5 (complement C5; minus strand). Cytogenetic location: 9q33.2.
Variant type: single nucleotide variant.
Coding change: c.4221-13T>C on transcript NM_001735.3 (MANE Select); 13 bases into the intron before coding-DNA position 4221, T replaced by C.
Molecular consequence: intron variant.
Genome position (GRCh38, 1-based): chr9:120,963,751, A>G on the plus strand (T>C on the coding strand, the complement: C5 is on the minus strand). VCF-style: chr9-120963751-A-G. GRCh37 (hg19) VCF-style: chr9-123726029-A-G.
Other names: c.4239-13T>C (NM_001317163.2).
Identifiers: ClinVar variation 402452 (VCV000402452.16), dbSNP rs41312901, ClinGen allele CA5217233.

ClinVar aggregate classification (germline): Benign/Likely benign. Review status: criteria provided, multiple submitters, no conflicts (2 of 4 stars). 5 submissions from 5 submitters: Benign (4); Likely benign (1). Last evaluated 2026-02-04.

Allele frequency attached by ClinVar (database versions not stated): 1000 Genomes Project 0.05132; 1000 Genomes Project 30x 0.05294; gnomAD exomes 0.05721 and 0.06443; gnomAD 0.05737 and 0.05759; TOPMed 0.06085; ESP Exome Variant Server 0.06489; ExAC 0.06617.
gnomAD v4.1: 100,742 of 1,581,644 alleles (6.4%); highest among the groups gnomAD compares: Non-Finnish European, 6.9%; 3,579 homozygotes.

Submissions (5):

Labcorp Genetics (formerly Invitae), Labcorp
Classification: Benign. Last evaluated: 2026-02-04. Review status: criteria provided, single submitter. Criteria: Invitae Variant Classification Sherloc (09022015). Collection method: clinical testing. Allele origin: germline.

Women's Health and Genetics/Laboratory Corporation of America, LabCorp
Classification: Benign. Last evaluated: 2026-01-21. Review status: criteria provided, single submitter. Criteria: LabCorp Variant Classification Summary - May 2015. Collection method: clinical testing. Allele origin: germline.

Blueprint Genetics
Classification: Likely benign. Last evaluated: 2024-11-27. Review status: criteria provided, single submitter. Criteria: ACMG Guidelines, 2015. Collection method: clinical testing. Allele origin: germline.

Laboratory for Molecular Medicine, Mass General Brigham Personalized Medicine
Classification: Benign. Last evaluated: 2016-03-28. Review status: criteria provided, single submitter. Criteria: LMM Criteria. Collection method: clinical testing. Allele origin: germline.
Comment: Variant identified in a genome or exome case(s) and assessed due to predicted null impact of the variant or pathogenic assertions in the literature or databases. Disclaimer: This variant has not undergone full assessment. The following are preliminary notes: Frequency

Breakthrough Genomics
Classification: Benign. Review status: criteria provided, single submitter. Criteria: ACMG Guidelines, 2015. Collection method: not provided. Allele origin: germline. Inheritance: Autosomal recessive inheritance. Affected: yes.